The following is an entry in ClinVar:

ClinVar aggregate classification (germline): Uncertain significance (1 of 4 stars; one submission).

Conditions:
Spermatogenic failure 18. Identifiers: MedGen C4539783, MONDO:0054615, OMIM 617576.
Ciliary dyskinesia, primary, 37 (CILD37). Also called: CILIARY DYSKINESIA, PRIMARY, 37, WITH OR WITHOUT SITUS INVERSUS. Identifiers: MedGen C4539798, MONDO:0033204, OMIM 617577.

Allele frequency attached by ClinVar (database versions not stated): gnomAD 0.00001; gnomAD exomes 0.00001; TOPMed 0.00001.
gnomAD v4.1: 10 of 1,613,880 alleles (0.00062%); highest among the groups gnomAD compares: Non-Finnish European, 0.00076%; no homozygotes.

Submission:

Labcorp Genetics (formerly Invitae), Labcorp
Classification: Uncertain significance for Ciliary dyskinesia, primary, 37; Spermatogenic failure 18. Last evaluated: 2024-10-23. Review status: criteria provided, single submitter. Criteria: Invitae Variant Classification Sherloc (09022015). Collection method: clinical testing. Allele origin: germline.
Comment: This sequence change replaces proline, which is neutral and non-polar, with leucine, which is neutral and non-polar, at codon 1675 of the DNAH1 protein (p.Pro1675Leu). This variant is not present in population databases (gnomAD no frequency). This variant has not been reported in the literature in individuals affected with DNAH1-related conditions. Invitae Evidence Modeling of protein sequence and biophysical properties (such as structural, functional, and spatial information, amino acid conservation, physicochemical variation, residue mobility, and thermodynamic stability) indicates that this missense variant is not expected to disrupt DNAH1 protein function with a negative predictive value of 80%. In summary, the available evidence is currently insufficient to determine the role of this variant in disease. Therefore, it has been classified as a Variant of Uncertain Significance.

NM_015512.5(DNAH1):c.5024C>T (p.Pro1675Leu)

Gene: DNAH1 (dynein axonemal heavy chain 1; plus strand). Cytogenetic location: 3p21.1.
Variant type: single nucleotide variant.
Coding change: c.5024C>T on transcript NM_015512.5 (MANE Select); coding-DNA position 5024, C replaced by T.
Protein change: p.Pro1675Leu; replaces proline 1675 with leucine.
Molecular consequence: missense variant.
Genome position (GRCh38, 1-based): chr3:52,362,431, C>T. VCF-style: chr3-52362431-C-T. GRCh37 (hg19) VCF-style: chr3-52396447-C-T.
Other names: short protein forms P1675L.
Identifiers: ClinVar variation 2937206 (VCV002937206.3), dbSNP rs957396919, ClinGen allele CA74751772.